The following is an entry in ClinVar:

ClinVar aggregate classification (germline): Uncertain significance (1 of 4 stars; one submission).

Conditions:
NIK deficiency. Also called: Primary immunodeficiency with multifaceted aberrant lymphoid immunity. Identifiers: Orphanet 447731, MedGen C5680065, MONDO:0018642.

Submission:

Labcorp Genetics (formerly Invitae), Labcorp
Classification: Uncertain significance for NIK deficiency. Last evaluated: 2020-09-16. Review status: criteria provided, single submitter. Criteria: Invitae Variant Classification Sherloc (09022015). Collection method: clinical testing. Allele origin: germline.
Comment: In summary, the available evidence is currently insufficient to determine the role of this variant in disease. Therefore, it has been classified as a Variant of Uncertain Significance. Experimental studies and prediction algorithms are not available or were not evaluated, and the functional significance of this variant is currently unknown. This variant has not been reported in the literature in individuals with MAP3K14-related conditions. This variant is not present in population databases (ExAC no frequency). This sequence change replaces glycine with aspartic acid at codon 326 of the MAP3K14 protein (p.Gly326Asp). The glycine residue is moderately conserved and there is a moderate physicochemical difference between glycine and aspartic acid.

NM_003954.5(MAP3K14):c.977G>A (p.Gly326Asp)

Gene: MAP3K14 (mitogen-activated protein kinase kinase kinase 14; minus strand). Cytogenetic location: 17q21.31.
Variant type: single nucleotide variant.
Coding change: c.977G>A on transcript NM_003954.5 (MANE Select); coding-DNA position 977, G replaced by A.
Protein change: p.Gly326Asp; replaces glycine 326 with aspartic acid.
Molecular consequence: missense variant.
Genome position (GRCh38, 1-based): chr17:45,286,606, C>T on the plus strand (G>A on the coding strand, the complement: MAP3K14 is on the minus strand). VCF-style: chr17-45286606-C-T. GRCh37 (hg19) VCF-style: chr17-43363973-C-T.
Other names: short protein forms G326D.
Identifiers: ClinVar variation 1026395 (VCV001026395.7), dbSNP rs2044266743, ClinGen allele CA399887884.